The following is an entry in ClinVar:

NM_000198.4(HSD3B2):c.687_713del (p.Trp230_Ala238del)

Gene: HSD3B2 (hydroxy-delta-5-steroid dehydrogenase, 3 beta- and steroid delta-isomerase 2; plus strand). Cytogenetic location: 1p12.
Variant type: Deletion.
Coding change: c.687_713del on transcript NM_000198.4 (MANE Select); coding-DNA positions 687 to 713, 27 bases deleted (CTGGGCCCACATTCTGGCCTTGAGGGC).
Protein change: p.Trp230_Ala238del.
Genome position (GRCh38, 1-based): chr1:119,422,188-119,422,214, CTGGGCCCACATTCTGGCCTTGAGGGC deleted; deleting any 27 consecutive bases within chr1:119,422,185-119,422,214 gives the same sequence; the c. name uses the placement nearest the transcript's 3' end. VCF-style (leftmost placement, unchanged base first): chr1-119422184-TGGCCTGGGCCCACATTCTGGCCTTGAG-T. GRCh37 (hg19) VCF-style: chr1-119964807-TGGCCTGGGCCCACATTCTGGCCTTGAG-T.
Other names: c.687_713del, p.Trp230_Ala238del (NM_001166120.2).
Identifiers: ClinVar variation 2674668 (VCV002674668.2), dbSNP rs2526392619, ClinGen allele CA2586967253.

ClinVar aggregate classification (germline): Pathogenic. Review status: criteria provided, multiple submitters, no conflicts (2 of 4 stars). 2 submissions from 2 submitters: Pathogenic (2). Last evaluated 2023-11-20.

Conditions:
HSD3B2-related disorders.
3 beta-Hydroxysteroid dehydrogenase deficiency. Also called: 3-BETA-HSD DEFICIENCY; Congenital adrenal hyperplasia due to 3-beta-hydroxysteroid dehydrogenase deficiency; ADRENAL HYPERPLASIA II; ADRENAL HYPERPLASIA, CONGENITAL, DUE TO 3-BETA-HYDROXYSTEROID DEHYDROGENASE 2 DEFICIENCY; 3b-hydroxysteroid dehydrogenase deficiency. Identifiers: Orphanet 90791, MedGen C0342471, MeSH C538236, MONDO:0008727, OMIM 201810. Disease mechanism: loss of function.

Submissions (2):

Clinical Biochemistry Laboratory, Health Services Laboratory
Classification: Pathogenic for 3 beta-Hydroxysteroid dehydrogenase deficiency. Last evaluated: 2023-11-20. Review status: criteria provided, single submitter. Criteria: ACMG Guidelines, 2015. Collection method: clinical testing. Allele origin: germline. Affected: yes.
Comment: ACMG:PM2 PM3 PP3 PP4

Blueprint Genetics
Classification: Pathogenic for HSD3B2-related disorders. Last evaluated: 2020-08-03. Review status: criteria provided, single submitter. Criteria: ACMG Guidelines, 2015. Collection method: clinical testing. Allele origin: germline. Affected: yes. Observed: 3 variant alleles.